The following is an entry in ClinVar:

ClinVar aggregate classification (germline): Uncertain significance (1 of 4 stars; one submission).

Allele frequency attached by ClinVar (database versions not stated): gnomAD exomes 0.00003.

Submission:

CeGaT Center for Human Genetics Tuebingen
Classification: Uncertain significance. Last evaluated: 2022-09-01. Review status: criteria provided, single submitter. Criteria: CeGaT Center For Human Genetics Tuebingen Variant Classification Criteria Version 2. Collection method: clinical testing. Allele origin: germline. Affected: yes. Observed: 1 variant allele.
Comment: CAMK2A: PM2, PP2

NM_015981.4(CAMK2A):c.*190G>A

Gene: CAMK2A (calcium/calmodulin dependent protein kinase II alpha; minus strand). Cytogenetic location: 5q32.
Variant type: single nucleotide variant.
Coding change: c.*190G>A on transcript NM_015981.4 (MANE Select); 190 bases downstream of the stop codon, G replaced by A.
Molecular consequence: 3 prime UTR variant.
Genome position (GRCh38, 1-based): chr5:150,222,520, C>T on the plus strand (G>A on the coding strand, the complement: CAMK2A is on the minus strand). VCF-style: chr5-150222520-C-T. GRCh37 (hg19) VCF-style: chr5-149602083-C-T.
Other names: c.*190G>A (NM_001363989.1, NM_001363990.1, NM_171825.3); c.*219G>A (NM_001369025.2).
Identifiers: ClinVar variation 2655914 (VCV002655914.24), dbSNP rs1580890618, ClinGen allele CA1082869858.